The following is an entry in ClinVar:

NM_001868.4(CPA1):c.1232T>C (p.Met411Thr)

Gene: CPA1 (carboxypeptidase A1; plus strand). Cytogenetic location: 7q32.2.
Variant type: single nucleotide variant.
Coding change: c.1232T>C on transcript NM_001868.4 (MANE Select); coding-DNA position 1232, T replaced by C.
Protein change: p.Met411Thr; replaces methionine 411 with threonine.
Molecular consequence: missense variant.
Genome position (GRCh38, 1-based): chr7:130,387,983, T>C. VCF-style: chr7-130387983-T-C. GRCh37 (hg19) VCF-style: chr7-130027824-T-C.
Other names: short protein forms M411T.
Identifiers: ClinVar variation 3221808 (VCV003221808.1), dbSNP rs781794643, ClinGen allele CA4485088.

ClinVar aggregate classification (germline): Uncertain significance (1 of 4 stars; one submission).

Conditions:
Hereditary pancreatitis (PCTT). Also called: Hereditary chronic pancreatitis; PRSS1-Related Hereditary Pancreatitis. Identifiers: Orphanet 676, MedGen C0238339, MONDO:0008185, OMIM 167800.

Allele frequency attached by ClinVar (database versions not stated): gnomAD exomes below 0.00001; ExAC 0.00001.
gnomAD v4.1: 1 of 1,614,158 alleles (0.000062%); highest among the groups gnomAD compares: South Asian, 0.0011%; no homozygotes.

Submission:

Ambry Genetics
Classification: Uncertain significance for Hereditary pancreatitis. Last evaluated: 2023-11-16. Review status: criteria provided, single submitter. Criteria: Ambry Variant Classification Scheme 2023. Collection method: clinical testing. Allele origin: germline.
Comment: The p.M411T variant (also known as c.1232T>C), located in coding exon 10 of the CPA1 gene, results from a T to C substitution at nucleotide position 1232. The methionine at codon 411 is replaced by threonine, an amino acid with similar properties. This amino acid position is conserved. In addition, this alteration is predicted to be tolerated by in silico analysis. Since supporting evidence is limited at this time, the clinical significance of this alteration remains unclear.